The following is an entry in ClinVar:

ClinVar aggregate classification (germline): Uncertain significance (1 of 4 stars; one submission).

Conditions:
Familial thoracic aortic aneurysm and aortic dissection (TAAD). Also called: Thoracic aortic aneurysms and dissections. Identifiers: Orphanet 91387, MedGen C4707243, MONDO:0019625.

Submission:

Ambry Genetics
Classification: Uncertain significance for Familial thoracic aortic aneurysm and aortic dissection. Last evaluated: 2024-10-28. Review status: criteria provided, single submitter. Criteria: Ambry Variant Classification Scheme 2023. Collection method: clinical testing. Allele origin: germline.
Comment: The p.H346Q variant (also known as c.1038C>G), located in coding exon 6 of the NOTCH1 gene, results from a C to G substitution at nucleotide position 1038. The histidine at codon 346 is replaced by glutamine, an amino acid with highly similar properties. This amino acid position is conserved. In addition, this alteration is predicted to be tolerated by in silico analysis. Based on the available evidence, the clinical significance of this variant remains unclear.

NM_017617.5(NOTCH1):c.1038C>G (p.His346Gln)

Gene: NOTCH1 (notch receptor 1; minus strand). Cytogenetic location: 9q34.3.
Variant type: single nucleotide variant.
Coding change: c.1038C>G on transcript NM_017617.5 (MANE Select); coding-DNA position 1038, C replaced by G.
Protein change: p.His346Gln; replaces histidine 346 with glutamine.
Molecular consequence: missense variant.
Genome position (GRCh38, 1-based): chr9:136,518,652, G>C on the plus strand (C>G on the coding strand, the complement: NOTCH1 is on the minus strand). VCF-style: chr9-136518652-G-C. GRCh37 (hg19) VCF-style: chr9-139413104-G-C.
Other names: short protein forms H346Q.
Identifiers: ClinVar variation 3406911 (VCV003406911.1).